The following is an entry in ClinVar:

ClinVar aggregate classification (germline): Conflicting classifications of pathogenicity. Review status: criteria provided, conflicting classifications (1 of 4 stars). 5 submissions from 5 submitters: Uncertain significance (3); Likely benign (2). Last evaluated 2026-01-18.

Conditions:
Inborn genetic diseases. Identifiers: MedGen C0950123, MeSH D030342.

Allele frequency attached by ClinVar (database versions not stated): gnomAD exomes 0.00003; gnomAD 0.00008 and 0.00009; TOPMed 0.00011; ExAC 0.00018; 1000 Genomes Project 0.00020; 1000 Genomes Project 30x 0.00031; ESP Exome Variant Server 0.00038.
gnomAD v4.1: 218 of 1,463,584 alleles (0.015%); highest among the groups gnomAD compares: Non-Finnish European, 0.018%; 1 homozygote.

Submissions (5):

Labcorp Genetics (formerly Invitae), Labcorp
Classification: Uncertain significance. Last evaluated: 2026-01-18. Review status: criteria provided, single submitter. Criteria: Invitae Variant Classification Sherloc (09022015). Collection method: clinical testing. Allele origin: germline.
Comment: This sequence change replaces proline, which is neutral and non-polar, with leucine, which is neutral and non-polar, at codon 880 of the AP3D1 protein (p.Pro880Leu). The frequency data for this variant in the population databases is considered unreliable, as metrics indicate poor data quality at this position in the gnomAD database. This variant has not been reported in the literature in individuals affected with AP3D1-related conditions. ClinVar contains an entry for this variant (Variation ID: 932688). An algorithm developed to predict the effect of missense changes on protein structure and function outputs the following: PolyPhen-2: "Benign". The leucine amino acid residue is found in multiple mammalian species, which suggests that this missense change does not adversely affect protein function. In summary, the available evidence is currently insufficient to determine the role of this variant in disease. Therefore, it has been classified as a Variant of Uncertain Significance.

Mayo Clinic Laboratories, Mayo Clinic
Classification: Uncertain significance. Last evaluated: 2025-05-14. Review status: criteria provided, single submitter. Criteria: ACMG Guidelines, 2015. Collection method: clinical testing. Allele origin: germline. Observed: 1 variant allele.
Comment: BP4_moderate

Ambry Genetics
Classification: Likely benign for Inborn genetic diseases. Last evaluated: 2024-10-04. Review status: criteria provided, single submitter. Criteria: Ambry Variant Classification Scheme 2023. Collection method: clinical testing. Allele origin: germline.

Blueprint Genetics
Classification: Likely benign. Last evaluated: 2021-09-22. Review status: criteria provided, single submitter. Criteria: ACMG Guidelines, 2015. Collection method: clinical testing. Allele origin: germline.

CeGaT Center for Human Genetics Tuebingen
Classification: Uncertain significance. Last evaluated: 2020-06-01. Review status: criteria provided, single submitter. Criteria: CeGaT Center For Human Genetics Tuebingen Variant Classification Criteria Version 2. Collection method: clinical testing. Allele origin: germline. Affected: yes. Observed: 1 variant allele.

Literature cited by the submitters: PubMed 36413997 (cited by Ambry Genetics).

NM_001261826.3(AP3D1):c.2639C>T (p.Pro880Leu)

Gene: AP3D1 (adaptor related protein complex 3 subunit delta 1; minus strand). Cytogenetic location: 19p13.3.
Variant type: single nucleotide variant.
Coding change: c.2639C>T on transcript NM_001261826.3 (MANE Select); coding-DNA position 2639, C replaced by T.
Protein change: p.Pro880Leu; replaces proline 880 with leucine.
Molecular consequence: missense variant. On other transcripts: intron variant (1).
Genome position (GRCh38, 1-based): chr19:2,113,376, G>A on the plus strand (C>T on the coding strand, the complement: AP3D1 is on the minus strand). VCF-style: chr19-2113376-G-A. GRCh37 (hg19) VCF-style: chr19-2113375-G-A.
Other names: NM_001077523.1:c.2366C>T; p.Pro880Leu; c.2639C>T, p.Pro880Leu (NM_001374799.1); c.2601+749C>T (NM_003938.8); short protein forms P880L.
Identifiers: ClinVar variation 932688 (VCV000932688.48), dbSNP rs371796422, ClinGen allele CA9058787.
Genomic context (GRCh38, chr19:2,113,376, plus strand): 5'-GCCAGCTGCCAGTCTCTTACCGTGGATGGAACGGGGGCGGGGGCGGGGGCGGGGGCAGGC[G>A]GTGGGGTGGTAGACAGCCAGAAGTCCAGGTCCTCAGCCTGAAACCACAAGACAGGCTGTC-3'
Protein context (NP_001248755.1, residues 870-890): DLDFWLSTTP[Pro880Leu]PAPAPAPAPV